The following is an entry in ClinVar:

ClinVar aggregate classification (germline): Uncertain significance. Review status: criteria provided, multiple submitters, no conflicts (2 of 4 stars). 2 submissions from 2 submitters: Uncertain significance (2). Last evaluated 2022-04-06.

Conditions:
Retinitis pigmentosa 51 (RP51). Identifiers: Orphanet 791, MedGen C3150715, MONDO:0013274, OMIM 613464.
Bardet-Biedl syndrome 8 (BBS8). Identifiers: Orphanet 110, MedGen C1859566, MONDO:0014436, OMIM 615985.
Bardet-Biedl syndrome (BBS). Identifiers: Orphanet 110, MedGen C0752166, MONDO:0015229.

Allele frequency attached by ClinVar (database versions not stated): gnomAD exomes below 0.00001; ExAC 0.00001.
gnomAD v4.1: 1 of 1,614,004 alleles (0.000062%); highest among the groups gnomAD compares: Admixed American, 0.0017%; no homozygotes.

Submissions (2):

Fulgent Genetics
Classification: Uncertain significance for Retinitis pigmentosa 51; Bardet-Biedl syndrome 8. Last evaluated: 2022-04-06. Review status: criteria provided, single submitter. Criteria: ACMG Guidelines, 2015. Collection method: clinical testing. Allele origin: unknown.

Labcorp Genetics (formerly Invitae), Labcorp
Classification: Uncertain significance for Bardet-Biedl syndrome. Last evaluated: 2022-03-14. Review status: criteria provided, single submitter. Criteria: Invitae Variant Classification Sherloc (09022015). Collection method: clinical testing. Allele origin: germline.
Comment: In summary, the available evidence is currently insufficient to determine the role of this variant in disease. Therefore, it has been classified as a Variant of Uncertain Significance. Algorithms developed to predict the effect of missense changes on protein structure and function are either unavailable or do not agree on the potential impact of this missense change (SIFT: "Deleterious"; PolyPhen-2: "Probably Damaging"; Align-GVGD: "Class C0"). This variant has not been reported in the literature in individuals affected with TTC8-related conditions. This variant is present in population databases (rs755533153, gnomAD 0.003%). This sequence change replaces alanine, which is neutral and non-polar, with valine, which is neutral and non-polar, at codon 318 of the TTC8 protein (p.Ala318Val).

NM_144596.4(TTC8):c.983C>T (p.Ala328Val)

Gene: TTC8 (tetratricopeptide repeat domain 8; plus strand). Cytogenetic location: 14q31.3.
Variant type: single nucleotide variant.
Coding change: c.983C>T on transcript NM_144596.4 (MANE Select); coding-DNA position 983, C replaced by T.
Protein change: p.Ala328Val; replaces alanine 328 with valine.
Molecular consequence: missense variant. On other transcripts: non-coding transcript variant (1).
Genome position (GRCh38, 1-based): chr14:88,870,132, C>T. VCF-style: chr14-88870132-C-T. GRCh37 (hg19) VCF-style: chr14-89336476-C-T.
Other names: c.1031C>T, p.Ala344Val (NM_001288781.1); c.389C>T, p.Ala130Val (NM_001288782.1); c.266C>T, p.Ala89Val (NM_001288783.1); c.953C>T, p.Ala318Val (NM_001366535.2, NM_198309.3); c.863C>T, p.Ala288Val (NM_001366536.2, NM_198310.3); short protein forms A130V, A318V, A328V, A344V, A288V, A89V.
Identifiers: ClinVar variation 1478629 (VCV001478629.7), dbSNP rs755533153, ClinGen allele CA7302647.